The following is an entry in ClinVar:

NM_031220.4(PITPNM3):c.1151A>G (p.Glu384Gly)

Gene: PITPNM3 (PITPNM family member 3; minus strand). Cytogenetic location: 17p13.2.
Variant type: single nucleotide variant.
Coding change: c.1151A>G on transcript NM_031220.4 (MANE Select); coding-DNA position 1151, A replaced by G.
Protein change: p.Glu384Gly; replaces glutamic acid 384 with glycine.
Molecular consequence: missense variant.
Genome position (GRCh38, 1-based): chr17:6,474,539, T>C on the plus strand (A>G on the coding strand, the complement: PITPNM3 is on the minus strand). VCF-style: chr17-6474539-T-C. GRCh37 (hg19) VCF-style: chr17-6377859-T-C.
Other names: c.1043A>G, p.Glu348Gly (NM_001165966.2); short protein forms E384G, E348G.
Identifiers: ClinVar variation 1461252 (VCV001461252.8), dbSNP rs767382549, ClinGen allele CA8329591.

ClinVar aggregate classification (germline): Uncertain significance (1 of 4 stars; one submission).

Allele frequency attached by ClinVar (database versions not stated): ExAC 0.00001; gnomAD 0.00001; gnomAD exomes 0.00001; TOPMed 0.00002.
gnomAD v4.1: 7 of 1,608,986 alleles (0.00044%); highest among the groups gnomAD compares: East Asian, 0.0067%; no homozygotes.

Submission:

Labcorp Genetics (formerly Invitae), Labcorp
Classification: Uncertain significance. Last evaluated: 2021-06-22. Review status: criteria provided, single submitter. Criteria: Invitae Variant Classification Sherloc (09022015). Collection method: clinical testing. Allele origin: germline.
Comment: Algorithms developed to predict the effect of missense changes on protein structure and function are either unavailable or do not agree on the potential impact of this missense change (SIFT: "Deleterious"; PolyPhen-2: "Benign"; Align-GVGD: "Class C0"). This variant has not been reported in the literature in individuals affected with PITPNM3-related conditions. This variant is present in population databases (rs767382549, ExAC 0.002%). This sequence change replaces glutamic acid with glycine at codon 384 of the PITPNM3 protein (p.Glu384Gly). The glutamic acid residue is moderately conserved and there is a moderate physicochemical difference between glutamic acid and glycine. In summary, the available evidence is currently insufficient to determine the role of this variant in disease. Therefore, it has been classified as a Variant of Uncertain Significance.